The following is an entry in ClinVar:

ClinVar aggregate classification (germline): Uncertain significance (1 of 4 stars; one submission).

Allele frequency attached by ClinVar (database versions not stated): 1000 Genomes Project 30x 0.00016.
gnomAD v4.1: 70 of 1,613,202 alleles (0.0043%); highest among the groups gnomAD compares: African/African-American, 0.017%; no homozygotes.

Submission:

GeneDx
Classification: Uncertain significance. Last evaluated: 2022-12-23. Review status: criteria provided, single submitter. Criteria: GeneDx Variant Classification Process June 2021. Collection method: clinical testing. Allele origin: germline. Affected: yes.
Comment: Not observed at significant frequency in large population cohorts (gnomAD); In silico analysis supports that this missense variant has a deleterious effect on protein structure/function; Has not been previously published as pathogenic or benign to our knowledge

NM_015937.6(PIGT):c.1730C>T (p.Pro577Leu)

Gene: PIGT (phosphatidylinositol glycan anchor biosynthesis class T; plus strand). Cytogenetic location: 20q13.12.
Variant type: single nucleotide variant.
Coding change: c.1730C>T on transcript NM_015937.6 (MANE Select); coding-DNA position 1730, C replaced by T.
Protein change: p.Pro577Leu; replaces proline 577 with leucine.
Molecular consequence: missense variant. On other transcripts: non-coding transcript variant (5).
Genome position (GRCh38, 1-based): chr20:45,425,819, C>T. VCF-style: chr20-45425819-C-T. GRCh37 (hg19) VCF-style: chr20-44054459-C-T.
Other names: c.1562C>T, p.Pro521Leu (NM_001184728.3); c.1529C>T, p.Pro510Leu (NM_001184729.3); c.1424C>T, p.Pro475Leu (NM_001184730.3); short protein forms P475L, P510L, P521L, P577L.
Identifiers: ClinVar variation 2506856 (VCV002506856.1), dbSNP rs111410446, ClinGen allele CA9878380.